The following is an entry in ClinVar:

NM_024422.6(DSC2):c.1731A>G (p.Ile577Met)

Gene: DSC2 (desmocollin 2; minus strand). Cytogenetic location: 18q12.1.
Variant type: single nucleotide variant.
Coding change: c.1731A>G on transcript NM_024422.6 (MANE Select); coding-DNA position 1731, A replaced by G.
Protein change: p.Ile577Met; replaces isoleucine 577 with methionine.
Molecular consequence: missense variant.
Genome position (GRCh38, 1-based): chr18:31,074,840, T>C on the plus strand (A>G on the coding strand, the complement: DSC2 is on the minus strand). VCF-style: chr18-31074840-T-C. GRCh37 (hg19) VCF-style: chr18-28654806-T-C.
Other names: c.1731A>G, p.Ile577Met (NM_004949.5); short protein forms I577M.
Identifiers: ClinVar variation 1307166 (VCV001307166.6), dbSNP rs2144800239, ClinGen allele CA402114246.

ClinVar aggregate classification (germline): Uncertain significance. Review status: criteria provided, multiple submitters, no conflicts (2 of 4 stars). 3 submissions from 3 submitters: Uncertain significance (3). Last evaluated 2025-07-14.

Conditions:
Arrhythmogenic right ventricular dysplasia 11. Also called: Arrhythmogenic right ventricular dysplasia 11 with mild palmoplantar keratoderma and woolly hair; Arrhythmogenic Right Ventricular Dysplasia/Cardiomyopathy11; ARRHYTHMOGENIC RIGHT VENTRICULAR DYSPLASIA, FAMILIAL, 11. Identifiers: MedGen C1864850, MONDO:0012506, OMIM 610476.
Cardiomyopathy (CMYO). Also called: Cardiomyopathies. Identifiers: Orphanet 167848, MedGen C0878544, MONDO:0004994, HP:0001638. Inheritance: Various modes of inheritance.

Submissions (3):

Color Diagnostics, LLC DBA Color Health
Classification: Uncertain significance for Cardiomyopathy. Last evaluated: 2025-07-14. Review status: criteria provided, single submitter. Criteria: ACMG Guidelines, 2015. Collection method: clinical testing. Allele origin: germline.
Comment: This missense variant replaces isoleucine with methionine at codon 577 of the DSC2 protein. Computational prediction suggests that this variant may not impact protein structure and function. To our knowledge, functional studies have not been reported for this variant. This variant has not been reported in individuals affected with DSC2-related disorders in the literature. This variant has not been identified in the general population by the Genome Aggregation Database (gnomAD). The available evidence is insufficient to determine the role of this variant in disease conclusively. Therefore, this variant is classified as a Variant of Uncertain Significance.

Labcorp Genetics (formerly Invitae), Labcorp
Classification: Uncertain significance for Arrhythmogenic right ventricular dysplasia 11. Last evaluated: 2022-03-31. Review status: criteria provided, single submitter. Criteria: Invitae Variant Classification Sherloc (09022015). Collection method: clinical testing. Allele origin: germline.
Comment: ClinVar contains an entry for this variant (Variation ID: 1307166). This sequence change replaces isoleucine, which is neutral and non-polar, with methionine, which is neutral and non-polar, at codon 577 of the DSC2 protein (p.Ile577Met). This variant is not present in population databases (gnomAD no frequency). This variant has not been reported in the literature in individuals affected with DSC2-related conditions. Algorithms developed to predict the effect of missense changes on protein structure and function are either unavailable or do not agree on the potential impact of this missense change (SIFT: "Deleterious"; PolyPhen-2: "Possibly Damaging"; Align-GVGD: "Class C0"). In summary, the available evidence is currently insufficient to determine the role of this variant in disease. Therefore, it has been classified as a Variant of Uncertain Significance.

GeneDx
Classification: Uncertain significance. Last evaluated: 2019-07-15. Review status: criteria provided, single submitter. Criteria: GeneDx Variant Classification Process June 2021. Collection method: clinical testing. Allele origin: germline. Affected: yes.
Comment: Has not been previously published as pathogenic or benign to our knowledge; Not observed in large population cohorts (Lek et al., 2016); In silico analysis, which includes protein predictors and evolutionary conservation, supports a deleterious effect